The following is an entry in ClinVar:

ClinVar aggregate classification (germline): Uncertain significance. Review status: criteria provided, multiple submitters, no conflicts (2 of 4 stars). 10 submissions from 7 submitters: Uncertain significance (10). Last evaluated 2026-09-17.

Conditions:
Factor H deficiency (CFHD). Also called: COMPLEMENT FACTOR H DEFICIENCY; CFH DEFICIENCY. Identifiers: Orphanet 200421, MedGen C0398777, MONDO:0012350, OMIM 609814.
Hemolytic uremic syndrome, atypical, susceptibility to, 1. Also called: AHUS, SUSCEPTIBILITY TO, 1. Identifiers: Orphanet 2134, Orphanet 90038, MedGen C2749604, MONDO:0009335, OMIM 235400. Disease mechanism: Other.
Basal laminar drusen. Also called: DRUSEN OF BRUCH MEMBRANE; DRUSEN, CUTICULAR; DRUSEN, EARLY ADULT-ONSET, GROUPED. Identifiers: Orphanet 75376, MedGen C0730295, MONDO:0007472, OMIM 126700.
Age related macular degeneration 4. Identifiers: MedGen C1853147, MONDO:0012540, OMIM 610698.
Atypical hemolytic-uremic syndrome. Identifiers: Orphanet 2134, MedGen C2931788, MONDO:0016244.

Allele frequency attached by ClinVar (database versions not stated): gnomAD 0.00005; gnomAD exomes 0.00005; 1000 Genomes Project 30x 0.00016; ExAC 0.00016.
gnomAD v4.1: 69 of 1,613,788 alleles (0.0043%); highest among the groups gnomAD compares: South Asian, 0.03%; no homozygotes.

Submissions (10):

Genomenon, Inc
Classification: Uncertain significance for Age related macular degeneration 4; Atypical hemolytic-uremic syndrome. Last evaluated: 2026-09-17. Review status: criteria provided, single submitter. Criteria: Genomenon Sequence Variant Interpretation Standards - Updated. Collection method: curation. Allele origin: germline. Affected: yes.
Comment: CFH p.Val1054Ile (c.3160G>A) is a missense variant that changes the amino acid at codon 1054 from valine to isoleucine. This variant has been observed in at least one proband affected with a CFH-related disorder (PMID: 29888403). Functional studies have been reported (PMID: 34189567; 34508573). It is absent or not present at a significant frequency in gnomAD. In silico models predict that this variant is not damaging. In conclusion, we classify CFH p.Val1054Ile (c.3160G>A) as a variant of uncertain significance.

Genetics Department, Catlab
Classification: Uncertain significance for Basal laminar drusen. Last evaluated: 2025-09-17. Review status: criteria provided, single submitter. Criteria: ACMG Guidelines, 2015. Collection method: clinical testing. Allele origin: germline. Affected: yes. Observed: 1 variant allele.
Comment: The c.3160G>A missense variant alters the protein at position 1054, changing the valine at that position to isoleucine. This change is extremely rare in gnomAD v4.1 (AF=0.00005258) (PM2_moderate) and has not been previously described in patients. With all the available evidence, the variant is classified as of uncertain significance.

Blueprint Genetics
Classification: Uncertain significance. Last evaluated: 2024-06-28. Review status: criteria provided, single submitter. Criteria: ACMG Guidelines, 2015. Collection method: clinical testing. Allele origin: germline.

Fulgent Genetics
Classification: Uncertain significance for Basal laminar drusen; Hemolytic uremic syndrome, atypical, susceptibility to, 1; Factor H deficiency; Age related macular degeneration 4. Last evaluated: 2024-04-23. Review status: criteria provided, single submitter. Criteria: ACMG Guidelines, 2015. Collection method: clinical testing. Allele origin: germline.

Neuberg Centre For Genomic Medicine, NCGM
Classification: Uncertain significance for Hemolytic uremic syndrome, atypical, susceptibility to, 1. Last evaluated: 2023-06-22. Review status: criteria provided, single submitter. Criteria: ACMG Guidelines, 2015. Collection method: clinical testing. Allele origin: germline. Inheritance: Autosomal dominant inheritance. Affected: yes.
Comment: The missense variant c.3160G>A (p.Val1054Ile) in the CFH gene has not been reported previously as a pathogenic variant nor as a benign variant, to our knowledge. This variant is reported with the allele frequency (0.004%) in the gnomAD Exomes. The amino acid Val at position 1054 is changed to a Ile changing protein sequence and it might alter its composition and physico-chemical properties. Computational evidence (SIFT and MutationTaster) predicts conflicting evidence on protein structure and function for this variant. The amino acid change p.Val1054Ile in CFH is predicted as conserved by GERP++ and PhyloP across 100 vertebrates. For these reasons, this variant has been classified as Uncertain Significance

Genome-Nilou Lab
Classification: Uncertain significance for Hemolytic uremic syndrome, atypical, susceptibility to, 1. Last evaluated: 2023-04-11. Review status: criteria provided, single submitter. Criteria: ACMG Guidelines, 2015. Collection method: clinical testing. Allele origin: germline. Affected: no.

Genome-Nilou Lab
Classification: Uncertain significance for Age related macular degeneration 4. Last evaluated: 2023-04-11. Review status: criteria provided, single submitter. Criteria: ACMG Guidelines, 2015. Collection method: clinical testing. Allele origin: germline. Affected: no.

Genome-Nilou Lab
Classification: Uncertain significance for Basal laminar drusen. Last evaluated: 2023-04-11. Review status: criteria provided, single submitter. Criteria: ACMG Guidelines, 2015. Collection method: clinical testing. Allele origin: germline. Affected: no.

Genome-Nilou Lab
Classification: Uncertain significance for Factor H deficiency. Last evaluated: 2023-04-11. Review status: criteria provided, single submitter. Criteria: ACMG Guidelines, 2015. Collection method: clinical testing. Allele origin: germline. Affected: no.

Mayo Clinic Laboratories, Mayo Clinic
Classification: Uncertain significance. Last evaluated: 2021-04-12. Review status: criteria provided, single submitter. Criteria: ACMG Guidelines, 2015. Collection method: clinical testing. Allele origin: germline.

Literature cited by the submitters: PubMed 29888403 (cited by Genomenon, Inc); PubMed 34189567 (cited by Genomenon, Inc); PubMed 34508573 (cited by Genomenon, Inc).

NM_000186.4(CFH):c.3160G>A (p.Val1054Ile)

Gene: CFH (complement factor H; plus strand). Cytogenetic location: 1q31.3.
Variant type: single nucleotide variant.
Coding change: c.3160G>A on transcript NM_000186.4 (MANE Select); coding-DNA position 3160, G replaced by A.
Protein change: p.Val1054Ile; replaces valine 1054 with isoleucine.
Molecular consequence: missense variant.
Genome position (GRCh38, 1-based): chr1:196,743,478, G>A. VCF-style: chr1-196743478-G-A. GRCh37 (hg19) VCF-style: chr1-196712608-G-A.
Other names: p.Val1054Ile; short protein forms V1054I.
Identifiers: ClinVar variation 1693711 (VCV001693711.12), dbSNP rs757426928, ClinGen allele CA1305863.